The following is an entry in ClinVar:

ClinVar aggregate classification (germline): Likely pathogenic (1 of 4 stars; one submission).

Conditions:
DEAF1-related disorder.

Submission:

PreventionGenetics, part of Exact Sciences
Classification: Likely pathogenic for DEAF1-related condition. Last evaluated: 2023-07-11. Review status: criteria provided, single submitter. Criteria: ACMG Guidelines, 2015. Collection method: clinical testing. Allele origin: germline.
Comment: The DEAF1 c.1082_1086del5 variant is predicted to result in a frameshift and premature protein termination (p.Ile361Argfs*29). To our knowledge, this variant has not been reported in the literature or in a large population database, indicating this variant is rare. Premature termination variants in DEAF1 are associated with autosomal recessive disease, whereas de novo missense variants are associated with dominant disease (Nabais Sá et al. 2019. PubMed ID: 30923367; McGee et al. 2022. PubMed ID: 35981081). This variant is interpreted as likely pathogenic.

NM_021008.4(DEAF1):c.1082_1086del (p.Ile361fs)

Gene: DEAF1 (DEAF1 transcription factor; minus strand). Cytogenetic location: 11p15.5.
Variant type: Deletion.
Coding change: c.1082_1086del on transcript NM_021008.4 (MANE Select); coding-DNA positions 1082 to 1086, 5 bases deleted (TATCA; older notation c.1082_1086delTATCA).
Protein change: p.Ile361fs; shifts the reading frame from isoleucine 361.
Molecular consequence: frameshift variant.
Genome position (GRCh38, 1-based): chr11:679,728-679,732, TGATA deleted on the plus strand (TATCA on the coding strand, the reverse complement: DEAF1 is on the minus strand); deleting any 5 consecutive bases within chr11:679,728-679,735 gives the same sequence; the c. name uses the placement nearest the transcript's 3' end. VCF-style (leftmost placement, unchanged base first): chr11-679727-CTGATA-C. GRCh37 (hg19) VCF-style: chr11-679727-CTGATA-C.
Other names: c.812_816delTCATA, p.Ile272Argfs (NM_001293634.2); c.356_360del, p.Ile119fs (NM_001367390.1); short protein forms I119fs, I272fs, I361fs.
Identifiers: ClinVar variation 2636835 (VCV002636835.1), dbSNP rs1860258814, ClinGen allele CA1947249166.